The following is an entry in ClinVar:

ClinVar aggregate classification (germline): Benign/Likely benign. Review status: criteria provided, multiple submitters, no conflicts (2 of 4 stars). 4 submissions from 4 submitters: Benign (3); Likely benign (1). Last evaluated 2026-02-01.

Conditions:
Dilated cardiomyopathy 1G (CMD1G). Identifiers: Orphanet 154, MedGen C1858763, MONDO:0011400, OMIM 604145.
Autosomal recessive limb-girdle muscular dystrophy type 2J (LGMDR10). Also called: Limb-girdle muscular dystrophy, type 2J; MUSCULAR DYSTROPHY, LIMB-GIRDLE, AUTOSOMAL RECESSIVE 10. Identifiers: Orphanet 140922, MedGen C1837342, MONDO:0012127, OMIM 608807.

Allele frequency attached by ClinVar (database versions not stated): gnomAD 0.00021 and 0.00017; 1000 Genomes Project 30x 0.00094; gnomAD exomes 0.00051 and 0.00010; TOPMed 0.00022; ExAC 0.00047; 1000 Genomes Project 0.00120.
gnomAD v4.1: 188 of 1,600,240 alleles (0.012%); highest among the groups gnomAD compares: East Asian, 0.35%; no homozygotes.

Submissions (4):

Labcorp Genetics (formerly Invitae), Labcorp
Classification: Benign for Dilated cardiomyopathy 1G; Autosomal recessive limb-girdle muscular dystrophy type 2J. Last evaluated: 2026-02-01. Review status: criteria provided, single submitter. Criteria: Invitae Variant Classification Sherloc (09022015). Collection method: clinical testing. Allele origin: germline.

Blueprint Genetics
Classification: Likely benign. Last evaluated: 2024-10-15. Review status: criteria provided, single submitter. Criteria: ACMG Guidelines, 2015. Collection method: clinical testing. Allele origin: germline.

Women's Health and Genetics/Laboratory Corporation of America, LabCorp
Classification: Benign. Last evaluated: 2023-08-19. Review status: criteria provided, single submitter. Criteria: LabCorp Variant Classification Summary - May 2015. Collection method: clinical testing. Allele origin: germline.

GeneDx
Classification: Benign. Last evaluated: 2014-05-09. Review status: criteria provided, single submitter. Criteria: GeneDx Variant Classification (06012015). Collection method: clinical testing. Allele origin: germline. Affected: yes.
Comment: This variant is considered likely benign or benign based on one or more of the following criteria: it is a conservative change, it occurs at a poorly conserved position in the protein, it is predicted to be benign by multiple in silico algorithms, and/or has population frequency not consistent with disease.

NM_001267550.2(TTN):c.68527+15G>A

Genes: TTN (titin; minus strand), TTN-AS1 (TTN antisense RNA 1; plus strand). Cytogenetic location: 2q31.2.
Variant type: single nucleotide variant.
Coding change: c.68527+15G>A on transcript NM_001267550.2 (MANE Select); 15 bases into the intron after coding-DNA position 68527, G replaced by A.
Molecular consequence: intron variant.
Genome position (GRCh38, 1-based): chr2:178,577,973, C>T on the plus strand (G>A on the coding strand, the complement: TTN is on the minus strand). VCF-style: chr2-178577973-C-T. GRCh37 (hg19) VCF-style: chr2-179442700-C-T.
Other names: c.41332+15G>A (NM_003319.4); c.41908+15G>A (NM_133437.4); c.41707+15G>A (NM_133432.3); c.60823+15G>A (NM_133378.4); c.63604+15G>A (NM_001256850.1).
Identifiers: ClinVar variation 137805 (VCV000137805.11), dbSNP rs184043128, ClinGen allele CA291468.
Genomic context (GRCh38, chr2:178,577,973, plus strand): 5'-CAAAACCAGTCAAACAAATACCAGTTTTCTTCATGTAAAACATGCACCTGGGTTTTTCTT[C>T]ATATAATGACTTACCAATTGGGTCCAGTGCCACAACAGGCTCTGATGGTAGGCTTGGCTT-3'